The following is an entry in ClinVar:

NM_024514.5(CYP2R1):c.1166T>A (p.Val389Glu)

Genes: CYP2R1 (cytochrome P450 family 2 subfamily R member 1; minus strand), PDE3B (phosphodiesterase 3B; plus strand). Cytogenetic location: 11p15.2.
Variant type: single nucleotide variant.
Coding change: c.1166T>A on transcript NM_024514.5 (MANE Select); coding-DNA position 1166, T replaced by A.
Protein change: p.Val389Glu; replaces valine 389 with glutamic acid.
Molecular consequence: missense variant.
Genome position (GRCh38, 1-based): chr11:14,879,278, A>T on the plus strand (T>A on the coding strand, the complement: CYP2R1 is on the minus strand). VCF-style: chr11-14879278-A-T. GRCh37 (hg19) VCF-style: chr11-14900824-A-T.
Other names: c.821T>A, p.Val274Glu (NM_001377214.1, NM_001377215.1, NM_001377216.1 and 1 more transcripts); c.1004T>A, p.Val335Glu (NM_001377217.1); c.1166T>A (NM_024514.4); short protein forms V274E, V335E, V389E.
Identifiers: ClinVar variation 1008903 (VCV001008903.10), dbSNP rs782535484, ClinGen allele CA5896545.

ClinVar aggregate classification (germline): Uncertain significance. Review status: criteria provided, multiple submitters, no conflicts (2 of 4 stars). 3 submissions from 3 submitters: Uncertain significance (3). Last evaluated 2024-01-10.

Conditions:
Vitamin D hydroxylation-deficient rickets, type 1B. Also called: Rickets due to Defect in Vitamin D 25-hydroxylation; PSEUDOVITAMIN D3 DEFICIENCY RICKETS DUE TO 25-HYDROXYLASE DEFICIENCY; VITAMIN D-DEPENDENT RICKETS, TYPE 1B. Identifiers: Orphanet 289157, MedGen C1838657, MONDO:0010810, OMIM 600081.

Allele frequency attached by ClinVar (database versions not stated): gnomAD exomes 0.00001 and below 0.00001; gnomAD 0.00002; TOPMed 0.00001; ExAC 0.00001.
gnomAD v4.1: 11 of 1,613,258 alleles (0.00068%); highest among the groups gnomAD compares: Non-Finnish European, 0.00093%; no homozygotes.

Submissions (3):

Fulgent Genetics
Classification: Uncertain significance for Vitamin D hydroxylation-deficient rickets, type 1B. Last evaluated: 2024-01-10. Review status: criteria provided, single submitter. Criteria: ACMG Guidelines, 2015. Collection method: clinical testing. Allele origin: germline.

Labcorp Genetics (formerly Invitae), Labcorp
Classification: Uncertain significance. Last evaluated: 2022-11-08. Review status: criteria provided, single submitter. Criteria: Invitae Variant Classification Sherloc (09022015). Collection method: clinical testing. Allele origin: germline.
Comment: This sequence change replaces valine, which is neutral and non-polar, with glutamic acid, which is acidic and polar, at codon 389 of the CYP2R1 protein (p.Val389Glu). This variant is present in population databases (rs782535484, gnomAD 0.0009%). This variant has not been reported in the literature in individuals affected with CYP2R1-related conditions. ClinVar contains an entry for this variant (Variation ID: 1008903). Algorithms developed to predict the effect of missense changes on protein structure and function (SIFT, PolyPhen-2, Align-GVGD) all suggest that this variant is likely to be disruptive. In summary, the available evidence is currently insufficient to determine the role of this variant in disease. Therefore, it has been classified as a Variant of Uncertain Significance.

Ambry Genetics
Classification: Uncertain significance. Last evaluated: 2022-10-25. Review status: criteria provided, single submitter. Criteria: Ambry Variant Classification Scheme 2023. Collection method: clinical testing. Allele origin: germline.